The following is an entry in ClinVar:

ClinVar aggregate classification (germline): Pathogenic (1 of 4 stars; one submission).

Conditions:
Breast-ovarian cancer, familial, susceptibility to, 4. Identifiers: Orphanet 145, MedGen C3280345, MONDO:0013669, OMIM 614291.

Submission:

Labcorp Genetics (formerly Invitae), Labcorp
Classification: Pathogenic for Breast-ovarian cancer, familial, susceptibility to, 4. Last evaluated: 2022-08-29. Review status: criteria provided, single submitter. Criteria: Invitae Variant Classification Sherloc (09022015). Collection method: clinical testing. Allele origin: germline.
Comment: This variant is a gross deletion of the genomic region encompassing exon(s) 1-3 of the RAD51D gene, which includes the initiator codon. This deletion extends beyond the assayed region for this gene and therefore may encompass additional genes. It is expected to result in an absent or disrupted protein product. Loss-of-function variants in RAD51D are known to be pathogenic (PMID: 21822267). This variant has not been reported in the literature in individuals affected with RAD51D-related conditions. For these reasons, this variant has been classified as Pathogenic.

Literature cited by the submitters: PubMed 21822267.

NC_000017.10:g.(?_33443985)_(33446632_?)del

Gene: RAD51D (RAD51 paralog D; minus strand). Cytogenetic location: 17q12.
Variant type: Deletion.
Identifiers: ClinVar variation 1072693 (VCV001072693.2).